The following is an entry in ClinVar:

NM_014679.5(CEP57):c.1177C>A (p.Leu393Met)

Gene: CEP57 (centrosomal protein 57; plus strand). Cytogenetic location: 11q21.
Variant type: single nucleotide variant.
Coding change: c.1177C>A on transcript NM_014679.5 (MANE Select); coding-DNA position 1177, C replaced by A.
Protein change: p.Leu393Met; replaces leucine 393 with methionine.
Molecular consequence: missense variant.
Genome position (GRCh38, 1-based): chr11:95,829,236, C>A. VCF-style: chr11-95829236-C-A. GRCh37 (hg19) VCF-style: chr11-95562400-C-A.
Other names: c.1150C>A, p.Leu384Met (NM_001243776.2); c.1099C>A, p.Leu367Met (NM_001243777.2); c.1096C>A, p.Leu366Met (NM_001363604.2, NM_001440869.1, NM_001440870.1); c.880C>A, p.Leu294Met (NM_001440881.1); c.874C>A, p.Leu292Met (NM_001440882.1); c.1069C>A, p.Leu357Met (NM_001440871.1); c.1060C>A, p.Leu354Met (NM_001440872.1); c.997C>A, p.Leu333Met (NM_001440873.1); and 6 more; short protein forms L292M, L294M, L306M, L318M, L327M, L328M, L330M, L331M.
Identifiers: ClinVar variation 4868747 (VCV004868747.1).

ClinVar aggregate classification (germline): Uncertain significance (1 of 4 stars; one submission).

Conditions:
Inborn genetic diseases. Identifiers: MedGen C0950123, MeSH D030342.

Submission:

Ambry Genetics
Classification: Uncertain significance for Inborn genetic diseases. Last evaluated: 2026-04-03. Review status: criteria provided, single submitter. Criteria: Ambry Variant Classification Scheme 2023. Collection method: clinical testing. Allele origin: germline.
Comment: The p.L393M variant (also known as c.1177C>A), located in coding exon 10 of the CEP57 gene, results from a C to A substitution at nucleotide position 1177. The leucine at codon 393 is replaced by methionine, an amino acid with highly similar properties. This amino acid position is conserved. In addition, this alteration is predicted to be tolerated by in silico analysis. Based on the available evidence, the clinical significance of this variant remains unclear.